The following is an entry in ClinVar:

ClinVar aggregate classification (germline): Uncertain significance (1 of 4 stars; one submission).

Conditions:
Inborn genetic diseases. Identifiers: MedGen C0950123, MeSH D030342.

Submission:

Ambry Genetics
Classification: Uncertain significance for Inborn genetic diseases. Last evaluated: 2026-08-03. Review status: criteria provided, single submitter. Criteria: Ambry Variant Classification Scheme 2023. Collection method: clinical testing. Allele origin: germline.
Comment: The p.L256P variant (also known as c.767T>C), located in coding exon 2 of the WT1 gene, results from a T to C substitution at nucleotide position 767. The leucine at codon 256 is replaced by proline, an amino acid with similar properties. This amino acid position is conserved. In addition, the in silico prediction for this alteration is inconclusive. Based on the available evidence, the clinical significance of this variant remains unclear.

NM_024426.6(WT1):c.782T>C (p.Leu261Pro)

Gene: WT1 (WT1 transcription factor; minus strand). Cytogenetic location: 11p13.
Variant type: single nucleotide variant.
Coding change: c.782T>C on transcript NM_024426.6 (MANE Select); coding-DNA position 782, T replaced by C.
Protein change: p.Leu261Pro; replaces leucine 261 with proline.
Molecular consequence: missense variant. On other transcripts: non-coding transcript variant (2), intron variant (2).
Genome position (GRCh38, 1-based): chr11:32,428,499, A>G on the plus strand (T>C on the coding strand, the complement: WT1 is on the minus strand). VCF-style: chr11-32428499-A-G. GRCh37 (hg19) VCF-style: chr11-32450045-A-G.
Other names: c.782T>C, p.Leu261Pro (NM_000378.6, NM_001407044.1, NM_001407045.1 and 4 more transcripts); c.131T>C, p.Leu44Pro (NM_001198551.2, NM_001198552.2); c.20T>C, p.Leu7Pro (NM_001407051.1); c.563T>C, p.Leu188Pro (NM_001429031.1, NM_001429032.1, NM_001429033.1 and 1 more transcripts); c.662-441T>C (NM_001407050.1, NM_001407047.1); short protein forms L261P, L44P, L256P, L188P, L7P.
Identifiers: ClinVar variation 5032058 (VCV005032058.1).